The following is an entry in ClinVar:

ClinVar aggregate classification (germline): Benign. Review status: criteria provided, multiple submitters, no conflicts (2 of 4 stars). 3 submissions from 3 submitters: Benign (3). Last evaluated 2024-07-15.

Allele frequency attached by ClinVar (database versions not stated): ESP Exome Variant Server 0.59023; gnomAD 0.62322 and 0.63811; TOPMed 0.63214; gnomAD exomes 0.68877; 1000 Genomes Project 30x 0.71814; 1000 Genomes Project 0.72883.

Submissions (3):

Unidad de Genómica Garrahan, Hospital de Pediatría Garrahan
Classification: Benign. Last evaluated: 2024-07-15. Review status: criteria provided, single submitter. Criteria: ACMG Guidelines, 2015. Collection method: clinical testing. Allele origin: germline. Affected: no. Observed: 89 variant alleles.
Comment: This variant is classified as Benign based on local population frequency. This variant was detected in 96% of patients studied in a panel designed for Epileptic and Developmental Encephalopathy and Progressive Myoclonus Epilepsy. Number of patients: 89. Only high quality variants are reported.

GeneDx
Classification: Benign. Last evaluated: 2018-06-25. Review status: criteria provided, single submitter. Criteria: GeneDx Variant Classification Process June 2021. Collection method: clinical testing. Allele origin: germline. Affected: yes.

Breakthrough Genomics
Classification: Benign. Review status: criteria provided, single submitter. Criteria: ACMG Guidelines, 2015. Collection method: not provided. Allele origin: germline. Inheritance: Autosomal recessive inheritance. Affected: yes.

NM_005051.3(QARS1):c.517-61C>T

Gene: QARS1 (glutaminyl-tRNA synthetase 1; minus strand). Cytogenetic location: 3p21.31.
Variant type: single nucleotide variant.
Coding change: c.517-61C>T on transcript NM_005051.3 (MANE Select); 61 bases into the intron before coding-DNA position 517, C replaced by T.
Molecular consequence: intron variant.
Genome position (GRCh38, 1-based): chr3:49,102,533, G>A on the plus strand (C>T on the coding strand, the complement: QARS1 is on the minus strand). VCF-style: chr3-49102533-G-A. GRCh37 (hg19) VCF-style: chr3-49139966-G-A.
Other names: c.484-61C>T (NM_001272073.2).
Identifiers: ClinVar variation 1226355 (VCV001226355.6), dbSNP rs4513485, ClinGen allele CA15236433.
Genomic context (GRCh38, chr3:49,102,533, plus strand): 5'-CTGAGCAGAGACCAGAATCAGGCAGAGGCAGGAGTATCCTCTTTCAAGGAGCCCCTGACT[G>A]ATCCTACCCACCAACCCAAGGCTTCCTGGCCTATCTACCAGCACTGACTGAAAAAACCTA-3'